The following is an entry in ClinVar:

ClinVar aggregate classification (germline): Uncertain significance (1 of 4 stars; one submission).

Conditions:
Cardiovascular phenotype. Identifiers: MedGen CN230736.

Submission:

Ambry Genetics
Classification: Uncertain significance for Cardiovascular phenotype. Last evaluated: 2023-11-22. Review status: criteria provided, single submitter. Criteria: Ambry Variant Classification Scheme 2023. Collection method: clinical testing. Allele origin: germline.
Comment: The p.M3985I variant (also known as c.11955G>A), located in coding exon 89 of the RYR2 gene, results from a G to A substitution at nucleotide position 11955. The methionine at codon 3985 is replaced by isoleucine, an amino acid with highly similar properties. This amino acid position is well conserved in available vertebrate species. In addition, the in silico prediction for this alteration is inconclusive. Since supporting evidence is limited at this time, the clinical significance of this alteration remains unclear.

NM_001035.3(RYR2):c.11955G>A (p.Met3985Ile)

Gene: RYR2 (ryanodine receptor 2; plus strand). Cytogenetic location: 1q43.
Variant type: single nucleotide variant.
Coding change: c.11955G>A on transcript NM_001035.3 (MANE Select); coding-DNA position 11955, G replaced by A.
Protein change: p.Met3985Ile; replaces methionine 3985 with isoleucine.
Molecular consequence: missense variant.
Genome position (GRCh38, 1-based): chr1:237,781,639, G>A. VCF-style: chr1-237781639-G-A. GRCh37 (hg19) VCF-style: chr1-237944939-G-A.
Other names: short protein forms M3985I.
Identifiers: ClinVar variation 3232377 (VCV003232377.1), dbSNP rs2527741347, ClinGen allele CA345410268.